The following is an entry in ClinVar:

ClinVar aggregate classification (germline): Benign/Likely benign. Review status: criteria provided, multiple submitters, no conflicts (2 of 4 stars). 4 submissions from 4 submitters: Benign (1); Likely benign (3). Last evaluated 2024-07-24.

Conditions:
Hereditary cancer-predisposing syndrome. Also called: Neoplastic Syndromes, Hereditary; Hereditary Cancer Syndrome; Tumor predisposition; Hereditary neoplastic syndrome. Identifiers: Orphanet 140162, MedGen C0027672, MeSH D009386, MONDO:0015356.
Familial cancer of breast. Also called: Hereditary breast cancer; hereditary breast carcinoma; BREAST CANCER, FAMILIAL. Identifiers: Orphanet 227535, MedGen C0346153, MONDO:0016419, OMIM 114480. Disease mechanism: loss of function.

Allele frequency attached by ClinVar (database versions not stated): gnomAD exomes below 0.00001.
gnomAD v4.1: 1 of 1,614,048 alleles (0.000062%); highest among the groups gnomAD compares: Non-Finnish European, 0.000085%; no homozygotes.

Submissions (4):

Myriad Genetics, Inc.
Classification: Benign for Familial cancer of breast. Last evaluated: 2024-07-24. Review status: criteria provided, single submitter. Criteria: Myriad Autosomal Dominant, Autosomal Recessive and X-Linked Classification Criteria (2023). Collection method: clinical testing. Allele origin: unknown.
Comment: This variant is considered benign. This variant is a silent/synonymous amino acid change and it is not expected to impact splicing.

Ambry Genetics
Classification: Likely benign for Hereditary cancer-predisposing syndrome. Last evaluated: 2023-02-15. Review status: criteria provided, single submitter. Criteria: Ambry Variant Classification Scheme 2023. Collection method: clinical testing. Allele origin: germline.

Labcorp Genetics (formerly Invitae), Labcorp
Classification: Likely benign for Familial cancer of breast. Last evaluated: 2022-08-16. Review status: criteria provided, single submitter. Criteria: Invitae Variant Classification Sherloc (09022015). Collection method: clinical testing. Allele origin: germline.

Quest Diagnostics Nichols Institute San Juan Capistrano
Classification: Likely benign. Last evaluated: 2020-09-24. Review status: criteria provided, single submitter. Criteria: Quest Diagnostics criteria. Collection method: clinical testing. Allele origin: unknown.

NM_000465.4(BARD1):c.1248G>A (p.Leu416=)

Gene: BARD1 (BRCA1 associated RING domain 1; minus strand). Cytogenetic location: 2q35.
Variant type: single nucleotide variant.
Coding change: c.1248G>A on transcript NM_000465.4 (MANE Select); coding-DNA position 1248, G replaced by A.
Protein change: p.Leu416=; no amino-acid change (leucine 416 retained).
Molecular consequence: synonymous variant. On other transcripts: non-coding transcript variant (2), intron variant (3).
Genome position (GRCh38, 1-based): chr2:214,780,626, C>T on the plus strand (G>A on the coding strand, the complement: BARD1 is on the minus strand). VCF-style: chr2-214780626-C-T. GRCh37 (hg19) VCF-style: chr2-215645350-C-T.
Other names: c.1191G>A, p.Leu397= (NM_001282543.2); c.159-28071G>A (NM_001282548.2); c.215+16435G>A (NM_001282545.2); c.364+11671G>A (NM_001282549.2); c.1248G>A (NM_000465.2).
Identifiers: ClinVar variation 772000 (VCV000772000.15), dbSNP rs1426931125, ClinGen allele CA431391269.